The following is an entry in ClinVar:

NM_001303256.3(MORC2):c.2642T>C (p.Ile881Thr)

Gene: MORC2 (MORC family CW-type zinc finger 2; minus strand). Cytogenetic location: 22q12.2.
Variant type: single nucleotide variant.
Coding change: c.2642T>C on transcript NM_001303256.3 (MANE Select); coding-DNA position 2642, T replaced by C.
Protein change: p.Ile881Thr; replaces isoleucine 881 with threonine.
Molecular consequence: missense variant.
Genome position (GRCh38, 1-based): chr22:30,932,650, A>G on the plus strand (T>C on the coding strand, the complement: MORC2 is on the minus strand). VCF-style: chr22-30932650-A-G. GRCh37 (hg19) VCF-style: chr22-31328637-A-G.
Other names: c.2642T>C, p.Ile881Thr (NM_001303257.2); c.2456T>C, p.Ile819Thr (NM_014941.3); short protein forms I819T, I881T.
Identifiers: ClinVar variation 3621609 (VCV003621609.2).
Genomic context (GRCh38, chr22:30,932,650, plus strand): 5'-AGGGCAGTGGTGTCAGGCTCAATGCGGAGGCATTCGGAAGTGGAGGGCTCTGCGACAGCT[A>G]TGGCCTGCTGGGCCACAGGGCCCACCTCCTCCTCCCCGCCCTCCTGTTGTGTATCAAGGC-3'
Protein context (NP_001290185.1, residues 871-891): EEVGPVAQQA[Ile881Thr]AVAEPSTSEC

ClinVar aggregate classification (germline): Uncertain significance (1 of 4 stars; one submission).

Conditions:
Charcot-Marie-Tooth disease axonal type 2Z. Also called: CHARCOT-MARIE-TOOTH DISEASE, AXONAL, AUTOSOMAL DOMINANT, TYPE 2Z; CHARCOT-MARIE-TOOTH NEUROPATHY, TYPE 2Z. Identifiers: Orphanet 466768, MedGen C5569025, MONDO:0014736, OMIM 616688.

gnomAD v4.1: 9 of 1,614,142 alleles (0.00056%); highest among the groups gnomAD compares: Non-Finnish European, 0.00076%; no homozygotes.

Submission:

Labcorp Genetics (formerly Invitae), Labcorp
Classification: Uncertain significance for Charcot-Marie-Tooth disease axonal type 2Z. Last evaluated: 2024-07-30. Review status: criteria provided, single submitter. Criteria: Invitae Variant Classification Sherloc (09022015). Collection method: clinical testing. Allele origin: germline.
Comment: This sequence change replaces isoleucine, which is neutral and non-polar, with threonine, which is neutral and polar, at codon 881 of the MORC2 protein (p.Ile881Thr). This variant is present in population databases (rs761366027, gnomAD 0.0009%). This variant has not been reported in the literature in individuals affected with MORC2-related conditions. Advanced modeling of protein sequence and biophysical properties (such as structural, functional, and spatial information, amino acid conservation, physicochemical variation, residue mobility, and thermodynamic stability) performed at Invitae indicates that this missense variant is not expected to disrupt MORC2 protein function with a negative predictive value of 95%. In summary, the available evidence is currently insufficient to determine the role of this variant in disease. Therefore, it has been classified as a Variant of Uncertain Significance.